The following is an entry in ClinVar:

ClinVar aggregate classification (germline): Pathogenic/Likely pathogenic. Review status: criteria provided, multiple submitters, no conflicts (2 of 4 stars). 2 submissions from 2 submitters: Pathogenic (1); Likely pathogenic (1). Last evaluated 2024-02-05.

Conditions:
DDX41-related disorders.

Submissions (2):

Blueprint Genetics
Classification: Likely pathogenic for DDX41-related disorders. Last evaluated: 2024-02-05. Review status: criteria provided, single submitter. Criteria: ACMG Guidelines, 2015. Collection method: clinical testing. Allele origin: germline. Affected: yes. Observed: 4 variant alleles.

Labcorp Genetics (formerly Invitae), Labcorp
Classification: Pathogenic. Last evaluated: 2022-03-04. Review status: criteria provided, single submitter. Criteria: Invitae Variant Classification Sherloc (09022015). Collection method: clinical testing. Allele origin: germline.
Comment: This sequence change creates a premature translational stop signal (p.Gln272*) in the DDX41 gene. It is expected to result in an absent or disrupted protein product. Loss-of-function variants in DDX41 are known to be pathogenic (PMID: 26712909, 27133828). This variant is not present in population databases (gnomAD no frequency). This variant has not been reported in the literature in individuals affected with DDX41-related conditions. For these reasons, this variant has been classified as Pathogenic.

Literature cited by the submitters: PubMed 26712909 (cited by Labcorp Genetics (formerly Invitae), Labcorp); PubMed 27133828 (cited by Labcorp Genetics (formerly Invitae), Labcorp).

NM_016222.4(DDX41):c.814C>T (p.Gln272Ter)

Gene: DDX41 (DEAD-box helicase 41; minus strand). Cytogenetic location: 5q35.3.
Variant type: single nucleotide variant.
Coding change: c.814C>T on transcript NM_016222.4 (MANE Select); coding-DNA position 814, C replaced by T.
Protein change: p.Gln272Ter; replaces glutamine 272 with a stop codon.
Molecular consequence: nonsense.
Genome position (GRCh38, 1-based): chr5:177,514,822, G>A on the plus strand (C>T on the coding strand, the complement: DDX41 is on the minus strand). VCF-style: chr5-177514822-G-A. GRCh37 (hg19) VCF-style: chr5-176941823-G-A.
Other names: c.436C>T, p.Gln146Ter (NM_001321732.2, NM_001321830.2); short protein forms Q146*, Q272*.
Identifiers: ClinVar variation 2101768 (VCV002101768.5), dbSNP rs2532083882, ClinGen allele CA362374966.